The following is an entry in ClinVar:

ClinVar aggregate classification (germline): Uncertain significance (1 of 4 stars; one submission).

Conditions:
Developmental and epileptic encephalopathy, 1 (DEE1). Also called: INFANTILE SPASM SYNDROME, X-LINKED 1; X-linked infantile spasms; West's syndrome; Tonic spasms with clustering, arrest of psychomotor development and hypsarrhythmia on EEG; X-Linked Infantile Spasm Syndrome; OHTAHARA SYNDROME, X-LINKED. Identifiers: MedGen C3463992, MONDO:0010632, OMIM 308350. Disease mechanism: loss of function.
Intellectual disability, X-linked, with or without seizures, ARX-related. Also called: MENTAL RETARDATION, X-LINKED 29; MENTAL RETARDATION, X-LINKED 32; MENTAL RETARDATION, X-LINKED 33; MENTAL RETARDATION, X-LINKED 38; MENTAL RETARDATION, X-LINKED 43; MENTAL RETARDATION, X-LINKED 76. Identifiers: Orphanet 777, MedGen C0796244, MONDO:0010317, OMIM 300419.

Submission:

Labcorp Genetics (formerly Invitae), Labcorp
Classification: Uncertain significance for Developmental and epileptic encephalopathy, 1; Intellectual disability, X-linked, with or without seizures, ARX-related. Last evaluated: 2020-11-14. Review status: criteria provided, single submitter. Criteria: Invitae Variant Classification Sherloc (09022015). Collection method: clinical testing. Allele origin: germline.
Comment: In summary, the available evidence is currently insufficient to determine the role of this variant in disease. Therefore, it has been classified as a Variant of Uncertain Significance. Algorithms developed to predict the effect of missense changes on protein structure and function are either unavailable or do not agree on the potential impact of this missense change (SIFT: "Deleterious"; PolyPhen-2: "Possibly Damaging"; Align-GVGD: "Class C0"). This variant has not been reported in the literature in individuals with ARX-related conditions. The frequency data for this variant in the population databases is considered unreliable, as metrics indicate insufficient coverage at this position in the ExAC database. This sequence change replaces alanine with proline at codon 516 of the ARX protein (p.Ala516Pro). The alanine residue is highly conserved and there is a small physicochemical difference between alanine and proline.

NM_139058.3(ARX):c.1546G>C (p.Ala516Pro)

Gene: ARX (aristaless related homeobox; minus strand). Cytogenetic location: Xp21.3.
Variant type: single nucleotide variant.
Coding change: c.1546G>C on transcript NM_139058.3 (MANE Select); coding-DNA position 1546, G replaced by C.
Protein change: p.Ala516Pro; replaces alanine 516 with proline.
Molecular consequence: missense variant.
Genome position (GRCh38, 1-based): chrX:25,004,813, C>G on the plus strand (G>C on the coding strand, the complement: ARX is on the minus strand). VCF-style: chrX-25004813-C-G. GRCh37 (hg19) VCF-style: chrX-25022930-C-G.
Other names: short protein forms A516P.
Identifiers: ClinVar variation 1499353 (VCV001499353.8), dbSNP rs747042039, ClinGen allele CA412610786.